The following is an entry in ClinVar:

ClinVar aggregate classification (germline): Uncertain significance. Review status: criteria provided, multiple submitters, no conflicts (2 of 4 stars). 3 submissions from 3 submitters: Uncertain significance (2). 1 of the submissions does not count toward it. Last evaluated 2022-07-06.

Conditions:
Usher syndrome type 3A (USH3A). Also called: USHER SYNDROME, TYPE IIIA. Identifiers: MedGen C5779850, MONDO:0010170, OMIM 276902.

Allele frequency attached by ClinVar (database versions not stated): ExAC 0.00001; gnomAD 0.00001; TOPMed 0.00002; gnomAD exomes 0.00007 and 0.00001; ESP Exome Variant Server 0.00008.

Submissions (3):

Labcorp Genetics (formerly Invitae), Labcorp
Classification: Uncertain significance. Last evaluated: 2022-07-06. Review status: criteria provided, single submitter. Criteria: Invitae Variant Classification Sherloc (09022015). Collection method: clinical testing. Allele origin: germline.
Comment: This sequence change replaces proline, which is neutral and non-polar, with arginine, which is basic and polar, at codon 31 of the CLRN1 protein (p.Pro31Arg). This variant is present in population databases (rs374390376, gnomAD 0.003%). This variant has not been reported in the literature in individuals affected with CLRN1-related conditions. ClinVar contains an entry for this variant (Variation ID: 858579). Algorithms developed to predict the effect of missense changes on protein structure and function are either unavailable or do not agree on the potential impact of this missense change (SIFT: "Tolerated"; PolyPhen-2: "Possibly Damaging"; Align-GVGD: "Class C0"). This variant disrupts the p.Pro31 amino acid residue in CLRN1. Other variant(s) that disrupt this residue have been determined to be pathogenic (PMID: 21310491). This suggests that this residue is clinically significant, and that variants that disrupt this residue are likely to be disease-causing. In summary, the available evidence is currently insufficient to determine the role of this variant in disease. Therefore, it has been classified as a Variant of Uncertain Significance.

Blueprint Genetics
Classification: Uncertain significance. Last evaluated: 2021-09-23. Review status: criteria provided, single submitter. Criteria: ACMG Guidelines, 2015. Collection method: clinical testing. Allele origin: germline.

Natera, Inc.
Classification: Uncertain significance for Usher syndrome type 3A. Last evaluated: 2020-05-02. Review status: no assertion criteria provided. Collection method: clinical testing. Allele origin: germline. Not counted in ClinVar's aggregate classification.

Literature cited by the submitters: PubMed 21310491 (cited by Labcorp Genetics (formerly Invitae), Labcorp).

NM_174878.3(CLRN1):c.92C>G (p.Pro31Arg)

Gene: CLRN1 (clarin 1; minus strand). Cytogenetic location: 3q25.1.
Variant type: single nucleotide variant.
Coding change: c.92C>G on transcript NM_174878.3 (MANE Select); coding-DNA position 92, C replaced by G.
Protein change: p.Pro31Arg; replaces proline 31 with arginine.
Molecular consequence: missense variant. On other transcripts: non-coding transcript variant (1).
Genome position (GRCh38, 1-based): chr3:150,972,617, G>C on the plus strand (C>G on the coding strand, the complement: CLRN1 is on the minus strand). VCF-style: chr3-150972617-G-C. GRCh37 (hg19) VCF-style: chr3-150690404-G-C.
Other names: c.92C>G, p.Pro31Arg (NM_001195794.1, NM_001256819.2); short protein forms P31R.
Identifiers: ClinVar variation 858579 (VCV000858579.5), dbSNP rs374390376, ClinGen allele CA2666218.